The following is an entry in ClinVar:

ClinVar aggregate classification (germline): Uncertain significance (1 of 4 stars; one submission).

Allele frequency attached by ClinVar (database versions not stated): ESP Exome Variant Server 0.00031.
gnomAD v4.1: 326 of 1,614,040 alleles (0.02%); highest among the groups gnomAD compares: Middle Eastern, 0.18%; 1 homozygote.

Submission:

CeGaT Center for Human Genetics Tuebingen
Classification: Uncertain significance. Last evaluated: 2023-10-01. Review status: criteria provided, single submitter. Criteria: CeGaT Center For Human Genetics Tuebingen Variant Classification Criteria Version 2. Collection method: clinical testing. Allele origin: germline. Affected: yes. Observed: 1 variant allele.
Comment: MSH5: PM2, BP4

NM_172166.4(MSH5):c.2335C>T (p.Arg779Cys)

Genes: MSH5 (mutS homolog 5; plus strand), MSH5-SAPCD1 (MSH5-SAPCD1 readthrough (NMD candidate); plus strand). Cytogenetic location: 6p21.33.
Variant type: single nucleotide variant.
Coding change: c.2335C>T on transcript NM_172166.4 (MANE Select); coding-DNA position 2335, C replaced by T.
Protein change: p.Arg779Cys; replaces arginine 779 with cysteine.
Molecular consequence: missense variant. On other transcripts: non-coding transcript variant (1).
Genome position (GRCh38, 1-based): chr6:31,762,127, C>T. VCF-style: chr6-31762127-C-T. GRCh37 (hg19) VCF-style: chr6-31729904-C-T.
Other names: c.2335C>T, p.Arg779Cys (NM_002441.5); c.2299C>T, p.Arg767Cys (NM_025259.6); c.2338C>T, p.Arg780Cys (NM_172165.4); short protein forms R767C, R779C, R780C.
Identifiers: ClinVar variation 2656417 (VCV002656417.24), dbSNP rs142634264, ClinGen allele CA3721600.
Genomic context (GRCh38, chr6:31,762,127, plus strand): 5'-CTTCCCCACTCCCCTTACTCCTCCCACCTTCTTGCTTGTTCCTAGGTCTCAGACTTGATC[C>T]GCAGTGGAAAACCCATCAAGCCTGTCAAGGATTTGCTAAAGAAGAACCAAATGGAAAAGT-3'
Protein context (NP_751898.1, residues 769-789): ARGKEVSDLI[Arg779Cys]SGKPIKPVKD